The following is an entry in ClinVar:

NM_032578.4(MYPN):c.1253G>A (p.Ser418Asn)

Gene: MYPN (myopalladin; plus strand). Cytogenetic location: 10q21.3.
Variant type: single nucleotide variant.
Coding change: c.1253G>A on transcript NM_032578.4 (MANE Select); coding-DNA position 1253, G replaced by A.
Protein change: p.Ser418Asn; replaces serine 418 with asparagine.
Molecular consequence: missense variant. On other transcripts: non-coding transcript variant (2).
Genome position (GRCh38, 1-based): chr10:68,150,047, G>A. VCF-style: chr10-68150047-G-A. GRCh37 (hg19) VCF-style: chr10-69909804-G-A.
Other names: c.1253G>A, p.Ser418Asn (NM_001256267.2); c.371G>A, p.Ser124Asn (NM_001256268.2); short protein forms S418N, S124N.
Identifiers: ClinVar variation 947306 (VCV000947306.12), dbSNP rs1008949819, ClinGen allele CA208182460.

ClinVar aggregate classification (germline): Uncertain significance. Review status: criteria provided, multiple submitters, no conflicts (2 of 4 stars). 4 submissions from 4 submitters: Uncertain significance (4). Last evaluated 2023-08-04.

Conditions:
Dilated cardiomyopathy 1KK (CMD1KK). Identifiers: Orphanet 154, Orphanet 75249, MedGen C3714995, MONDO:0014100, OMIM 615248.
MYPN-related myopathy (CMYO24). Also called: Nemaline myopathy 11, autosomal recessive. Identifiers: MedGen C4479186, MONDO:0015023, OMIM 617336.
Cardiovascular phenotype. Identifiers: MedGen CN230736.

Allele frequency attached by ClinVar (database versions not stated): gnomAD exomes below 0.00001; TOPMed 0.00001.
gnomAD v4.1: 1 of 1,613,414 alleles (0.000062%); highest among the groups gnomAD compares: South Asian, 0.0011%; no homozygotes.

Submissions (4):

Labcorp Genetics (formerly Invitae), Labcorp
Classification: Uncertain significance for Dilated cardiomyopathy 1KK. Last evaluated: 2023-08-04. Review status: criteria provided, single submitter. Criteria: Invitae Variant Classification Sherloc (09022015). Collection method: clinical testing. Allele origin: germline.
Comment: In summary, the available evidence is currently insufficient to determine the role of this variant in disease. Therefore, it has been classified as a Variant of Uncertain Significance. An algorithm developed to predict the effect of missense changes on protein structure and function (PolyPhen-2) suggests that this variant is likely to be disruptive. ClinVar contains an entry for this variant (Variation ID: 947306). This variant has not been reported in the literature in individuals affected with MYPN-related conditions. This variant is present in population databases (no rsID available, gnomAD 0.003%). This sequence change replaces serine, which is neutral and polar, with asparagine, which is neutral and polar, at codon 418 of the MYPN protein (p.Ser418Asn).

GeneDx
Classification: Uncertain significance. Last evaluated: 2022-10-14. Review status: criteria provided, single submitter. Criteria: GeneDx Variant Classification Process June 2021. Collection method: clinical testing. Allele origin: germline. Affected: yes.
Comment: Not observed at significant frequency in large population cohorts (gnomAD); In silico analysis supports that this missense variant does not alter protein structure/function; Has not been previously published as pathogenic or benign to our knowledge

Ambry Genetics
Classification: Uncertain significance for Cardiovascular phenotype. Last evaluated: 2022-09-16. Review status: criteria provided, single submitter. Criteria: Ambry Variant Classification Scheme 2023. Collection method: clinical testing. Allele origin: germline.
Comment: The p.S418N variant (also known as c.1253G>A), located in coding exon 5 of the MYPN gene, results from a G to A substitution at nucleotide position 1253. The serine at codon 418 is replaced by asparagine, an amino acid with highly similar properties. This amino acid position is conserved. In addition, this alteration is predicted to be tolerated by in silico analysis. Since supporting evidence is limited at this time, the clinical significance of this alteration remains unclear.

Fulgent Genetics
Classification: Uncertain significance for Dilated cardiomyopathy 1KK; MYPN-related myopathy. Last evaluated: 2021-07-23. Review status: criteria provided, single submitter. Criteria: ACMG Guidelines, 2015. Collection method: clinical testing. Allele origin: unknown.